The following is an entry in ClinVar:

NM_020771.4(HACE1):c.326+3A>C

Gene: HACE1 (HECT domain and ankyrin repeat containing E3 ubiquitin protein ligase 1; minus strand). Cytogenetic location: 6q16.3.
Variant type: single nucleotide variant.
Coding change: c.326+3A>C on transcript NM_020771.4 (MANE Select); 3 bases into the intron after coding-DNA position 326, A replaced by C.
Molecular consequence: intron variant.
Genome position (GRCh38, 1-based): chr6:104,849,139, T>G on the plus strand (A>C on the coding strand, the complement: HACE1 is on the minus strand). VCF-style: chr6-104849139-T-G. GRCh37 (hg19) VCF-style: chr6-105297014-T-G.
Other names: c.326+3A>C (NM_001350555.2, NM_001321080.2); c.-250+3A>C (NM_001350560.2); c.-20+3A>C (NM_001350557.2); c.-85+3A>C (NM_001350556.2); c.-42+3A>C (NM_001350559.2); c.-96+3A>C (NM_001350558.2, NM_001321084.2); c.224+3A>C (NM_001350554.2, NM_001321083.2).
Identifiers: ClinVar variation 3382553 (VCV003382553.2).
Genomic context (GRCh38, chr6:104,849,139, plus strand): 5'-AGGCAAAGTGCCTTGAATAACTGATAATACAACTTAAGCCACTTAAGAAAACTAAATAGT[T>G]ACCCATTTCTTGCTGCCAAATGAAGGGGTGTACAGCCTGAAATATCTTGATAGTTAGGAT-3'

ClinVar aggregate classification (germline): Uncertain significance (1 of 4 stars; one submission).

Conditions:
Spastic paraplegia-severe developmental delay-epilepsy syndrome. Also called: Spastic paraplegia and psychomotor retardation with or without seizures. Identifiers: Orphanet 464282, MedGen C4225215, MONDO:0014764, OMIM 616756.

Submission:

Juno Genomics, Hangzhou Juno Genomics, Inc
Classification: Uncertain significance for Spastic paraplegia-severe developmental delay-epilepsy syndrome. Review status: criteria provided, single submitter. Criteria: ACMG Guidelines, 2015. Collection method: clinical testing. Allele origin: germline. Affected: yes.
Comment: For recessive disorders, detected in trans with a pathogenic variant.;Absent from controls (or at extremely low frequency if recessive) in Genome Aggregation Database, Exome Sequencing Project, 1000 Genomes Project, or Exome Aggregation Consortium.;Multiple lines of computational evidence support a deleterious effect on the gene or gene product (conservation, evolutionary, splicing impact, etc).